The following is an entry in ClinVar:

NM_000542.5(SFTPB):c.392C>T (p.Thr131Ile)

Gene: SFTPB (surfactant protein B; minus strand). Cytogenetic location: 2p11.2.
Variant type: single nucleotide variant.
Coding change: c.392C>T on transcript NM_000542.5 (MANE Select); coding-DNA position 392, C replaced by T.
Protein change: p.Thr131Ile; replaces threonine 131 with isoleucine.
Molecular consequence: missense variant.
Genome position (GRCh38, 1-based): chr2:85,666,618, G>A on the plus strand (C>T on the coding strand, the complement: SFTPB is on the minus strand). VCF-style: chr2-85666618-G-A. GRCh37 (hg19) VCF-style: chr2-85893741-G-A.
Other names: p.Thr131Ile; c.392C>T, p.Thr131Ile (NM_001367281.2, NM_198843.4); short protein forms T131I.
Identifiers: ClinVar variation 165204 (VCV000165204.29), dbSNP rs1130866, ClinGen allele CA177942.
Genomic context (GRCh38, chr2:85,666,618, plus strand): 5'-TGGGTGGGCACAGGGGCCTGCGTGGGGAGGCAGGCAGGAGGTGAGCTTGCAGCCCTCACA[G>A]TCTGGTTCTGGAAGTAGTCGATGACCAGGGGGAAGTAGTCGTCAAGCACTTGGTTGCACT-3'
Protein context (NP_000533.4, residues 121-141): PLVIDYFQNQ[Thr131Ile]DSNGICMHLG

ClinVar aggregate classification (germline): Benign. Review status: criteria provided, multiple submitters, no conflicts (2 of 4 stars). 11 submissions from 11 submitters: Benign (11). Last evaluated 2026-02-04.

Conditions:
Hereditary pulmonary alveolar proteinosis. Also called: Pulmonary surfactant metabolism dysfunction. Identifiers: Orphanet 264675, MedGen C3711368, MONDO:0012580.
Surfactant metabolism dysfunction, pulmonary, 1. Also called: INTERSTITIAL LUNG DISEASE DUE TO SURFACTANT PROTEIN B DEFICIENCY; INTERSTITIAL LUNG DISEASE, NONSPECIFIC, DUE TO SURFACTANT PROTEIN B DEFICIENCY; PULMONARY ALVEOLAR PROTEINOSIS, CONGENITAL, 1; Pulmonary surfactant protein B, deficiency of; Neonatal acute respiratory distress due to SP-B deficiency. Identifiers: Orphanet 217563, MedGen C1968602, MONDO:0009929, OMIM 265120.

Allele frequency attached by ClinVar (database versions not stated): gnomAD exomes 0.49512; ExAC 0.50372; 1000 Genomes Project 0.51997; 1000 Genomes Project 30x 0.52842; gnomAD 0.56731 and 0.57811; TOPMed 0.56820; ESP Exome Variant Server 0.59888.
gnomAD v4.1: 833,464 of 1,612,412 alleles (52%); highest among the groups gnomAD compares: African/African-American, 75%; 220,173 homozygotes.

Submissions (11):

Labcorp Genetics (formerly Invitae), Labcorp
Classification: Benign. Last evaluated: 2026-02-04. Review status: criteria provided, single submitter. Criteria: Invitae Variant Classification Sherloc (09022015). Collection method: clinical testing. Allele origin: germline.

Mayo Clinic Laboratories, Mayo Clinic
Classification: Benign. Last evaluated: 2025-08-04. Review status: criteria provided, single submitter. Criteria: ACMG Guidelines, 2015. Collection method: clinical testing. Allele origin: germline. Observed: 10 variant alleles.
Comment: BA1, BS2, BP4

Blueprint Genetics
Classification: Benign. Last evaluated: 2024-11-26. Review status: criteria provided, single submitter. Criteria: ACMG Guidelines, 2015. Collection method: clinical testing. Allele origin: germline.

Genome-Nilou Lab
Classification: Benign for Surfactant metabolism dysfunction, pulmonary, 1. Last evaluated: 2021-07-15. Review status: criteria provided, single submitter. Criteria: ACMG Guidelines, 2015. Collection method: clinical testing. Allele origin: germline. Affected: no.

GeneDx
Classification: Benign. Last evaluated: 2018-12-22. Review status: criteria provided, single submitter. Criteria: GeneDx Variant Classification Process June 2021. Collection method: clinical testing. Allele origin: germline. Affected: yes.
Comment: This variant is associated with the following publications: (PMID: 23330012, 11076040, 26620227)

Illumina Laboratory Services, Illumina
Classification: Benign for Surfactant metabolism dysfunction, pulmonary, 1. Last evaluated: 2018-03-06. Review status: criteria provided, single submitter. Criteria: ICSL Variant Classification Criteria 13 December 2019. Collection method: clinical testing. Allele origin: germline.
Comment: This variant was observed in the ICSL laboratory as part of a predisposition screen in an ostensibly healthy population. It had not been previously curated by ICSL or reported in the Human Gene Mutation Database (HGMD: prior to June 1st, 2018), and was therefore a candidate for classification through an automated scoring system. Utilizing variant allele frequency, disease prevalence and penetrance estimates, and inheritance mode, an automated score was calculated to assess if this variant is too frequent to cause the disease. Based on the score and internal cut-off values, a variant classified as benign is not then subjected to further curation. The score for this variant resulted in a classification of benign for this disease.

Eurofins Ntd Llc (ga)
Classification: Benign. Last evaluated: 2016-10-05. Review status: criteria provided, single submitter. Criteria: EGL Classification Definitions 2015. Collection method: clinical testing. Allele origin: germline. Observed: 1 variant allele, 1 homozygote.

Ambry Genetics
Classification: Benign for Hereditary pulmonary alveolar proteinosis. Last evaluated: 2015-10-26. Review status: criteria provided, single submitter. Criteria: Ambry Variant Classification Scheme 2023. Collection method: clinical testing. Allele origin: germline.

Laboratory for Molecular Medicine, Mass General Brigham Personalized Medicine
Classification: Benign. Last evaluated: 2013-06-13. Review status: criteria provided, single submitter. Criteria: LMM Criteria. Collection method: clinical testing. Allele origin: germline. Observed: 105 variant alleles.

Breakthrough Genomics
Classification: Benign. Review status: criteria provided, single submitter. Criteria: ACMG Guidelines, 2015. Collection method: not provided. Allele origin: germline. Inheritance: Autosomal recessive inheritance. Affected: yes.

PreventionGenetics, part of Exact Sciences
Classification: Benign. Review status: criteria provided, single submitter. Criteria: ACMG Guidelines, 2015. Collection method: clinical testing. Allele origin: germline.

Literature cited by the submitters: PubMed 11076040 (cited by Mayo Clinic Laboratories, Mayo Clinic); PubMed 23330012 (cited by Mayo Clinic Laboratories, Mayo Clinic); PubMed 26620227 (cited by Mayo Clinic Laboratories, Mayo Clinic).